The following is an entry in ClinVar:

ClinVar aggregate classification (germline): Uncertain significance. Review status: criteria provided, multiple submitters, no conflicts (2 of 4 stars). 5 submissions from 4 submitters: Uncertain significance (5). Last evaluated 2024-09-20.

Conditions:
Inborn genetic diseases. Identifiers: MedGen C0950123, MeSH D030342.
Ectopia lentis 2, isolated, autosomal recessive (ECTOL2). Identifiers: Orphanet 1885, MedGen C3541474, MONDO:0009152, OMIM 225100.
Ectopia lentis et pupillae. Also called: ECTOPIA LENTIS WITH ECTOPIA OF PUPIL. Identifiers: Orphanet 1885, MedGen C1644196, MONDO:0009153, OMIM 225200.

Allele frequency attached by ClinVar (database versions not stated): gnomAD exomes 0.00002 and 0.00004; ExAC 0.00007; ESP Exome Variant Server 0.00008; gnomAD 0.00023 and 0.00024; TOPMed 0.00023.
gnomAD v4.1: 62 of 1,614,014 alleles (0.0038%); highest among the groups gnomAD compares: African/African-American, 0.075%; no homozygotes.

Submissions (5):

Ambry Genetics
Classification: Uncertain significance for Inborn genetic diseases. Last evaluated: 2024-09-20. Review status: criteria provided, single submitter. Criteria: Ambry Variant Classification Scheme 2023. Collection method: clinical testing. Allele origin: germline.

Genome-Nilou Lab
Classification: Uncertain significance for Ectopia lentis et pupillae. Last evaluated: 2023-04-11. Review status: criteria provided, single submitter. Criteria: ACMG Guidelines, 2015. Collection method: clinical testing. Allele origin: germline. Affected: no.

Genome-Nilou Lab
Classification: Uncertain significance for Ectopia lentis 2, isolated, autosomal recessive. Last evaluated: 2023-04-11. Review status: criteria provided, single submitter. Criteria: ACMG Guidelines, 2015. Collection method: clinical testing. Allele origin: germline. Affected: no.

Labcorp Genetics (formerly Invitae), Labcorp
Classification: Uncertain significance. Last evaluated: 2022-06-27. Review status: criteria provided, single submitter. Criteria: Invitae Variant Classification Sherloc (09022015). Collection method: clinical testing. Allele origin: germline.
Comment: This sequence change replaces glycine, which is neutral and non-polar, with arginine, which is basic and polar, at codon 495 of the ADAMTSL4 protein (p.Gly495Arg). This variant is present in population databases (rs139551885, gnomAD 0.07%). This variant has not been reported in the literature in individuals affected with ADAMTSL4-related conditions. Algorithms developed to predict the effect of missense changes on protein structure and function (SIFT, PolyPhen-2, Align-GVGD) all suggest that this variant is likely to be disruptive. In summary, the available evidence is currently insufficient to determine the role of this variant in disease. Therefore, it has been classified as a Variant of Uncertain Significance.

Center for Genomics, Ann and Robert H. Lurie Children's Hospital of Chicago
Classification: Uncertain significance for Ectopia lentis et pupillae; Ectopia lentis 2, isolated, autosomal recessive. Review status: criteria provided, single submitter. Criteria: ACMG Guidelines, 2015. Collection method: clinical testing. Allele origin: germline.
Comment: This variant has not been reported in the literature but is present in the Genome Aggregation Database (Highest reported MAF: 0.07% [30/41434]), and in ClinVar (Variation ID: 1423785). Evolutionary conservation and computational prediction tools suggest that this variant may not impact the protein. In summary, data on this variant is insufficient for disease classification. Therefore, the clinical significance of this variant is uncertain

NM_019032.6(ADAMTSL4):c.1483G>A (p.Gly495Arg)

Genes: ADAMTSL4 (ADAMTS like 4; plus strand), ADAMTSL4-AS2 (ADAMTSL4 antisense RNA 2; minus strand). Cytogenetic location: 1q21.2.
Variant type: single nucleotide variant.
Coding change: c.1483G>A on transcript NM_019032.6 (MANE Select); coding-DNA position 1483, G replaced by A.
Protein change: p.Gly495Arg; replaces glycine 495 with arginine.
Molecular consequence: missense variant.
Genome position (GRCh38, 1-based): chr1:150,556,273, G>A. VCF-style: chr1-150556273-G-A. GRCh37 (hg19) VCF-style: chr1-150528749-G-A.
Other names: c.1483G>A (NM_019032.4); c.1552G>A, p.Gly518Arg (NM_001288607.2, NM_001288608.2); c.1483G>A, p.Gly495Arg (NM_001378596.1, NM_025008.5); short protein forms G518R, G495R.
Identifiers: ClinVar variation 1423785 (VCV001423785.6), dbSNP rs139551885, ClinGen allele CA1078280.